The following is an entry in ClinVar:

NM_024120.5(NDUFAF5):c.25C>G (p.Arg9Gly)

Genes: NDUFAF5 (NADH:ubiquinone oxidoreductase complex assembly factor 5; plus strand), LOC130065433 (ATAC-STARR-seq lymphoblastoid active region 17552; plus strand). Cytogenetic location: 20p12.1.
Variant type: single nucleotide variant.
Coding change: c.25C>G on transcript NM_024120.5 (MANE Select); coding-DNA position 25, C replaced by G.
Protein change: p.Arg9Gly; replaces arginine 9 with glycine.
Molecular consequence: missense variant. On other transcripts: 5 prime UTR variant (3), non-coding transcript variant (7).
Genome position (GRCh38, 1-based): chr20:13,785,093, C>G. VCF-style: chr20-13785093-C-G. GRCh37 (hg19) VCF-style: chr20-13765739-C-G.
Other names: c.25C>G, p.Arg9Gly (NM_001039375.3, NM_001352408.2); c.-343C>G (NM_001352403.2); c.-557C>G (NM_001352406.2); c.-671C>G (NM_001352407.2); short protein forms R9G.
Identifiers: ClinVar variation 618242 (VCV000618242.10), dbSNP rs768566143, ClinGen allele CA9767563.

ClinVar aggregate classification (germline): Uncertain significance. Review status: criteria provided, multiple submitters, no conflicts (2 of 4 stars). 3 submissions from 3 submitters: Uncertain significance (2). 1 of the submissions does not count toward it. Last evaluated 2025-07-20.

Conditions:
Mitochondrial complex I deficiency. Also called: NADH:Q(1) OXIDOREDUCTASE DEFICIENCY. Identifiers: Orphanet 2609, MedGen C1838979, MeSH C537475, MONDO:0100133.

gnomAD v4.1: 11 of 1,612,778 alleles (0.00068%); highest among the groups gnomAD compares: East Asian, 0.0022%; no homozygotes.

Submissions (3):

GeneDx
Classification: Uncertain significance. Last evaluated: 2025-07-20. Review status: criteria provided, single submitter. Criteria: GeneDx Variant Classification Process June 2021. Collection method: clinical testing. Allele origin: germline. Affected: yes.
Comment: Not observed at significant frequency in large population cohorts (gnomAD); In silico analysis suggests that this missense variant does not alter protein structure/function; Has not been previously published as pathogenic or benign to our knowledge

ARUP Laboratories, Molecular Genetics and Genomics, ARUP Laboratories
Classification: Uncertain significance. Last evaluated: 2018-05-11. Review status: criteria provided, single submitter. Criteria: ARUP Molecular Germline Variant Investigation Process. Collection method: clinical testing. Allele origin: germline.
Comment: The NDUFAF5 c.25C>G; p.Arg9Gly variant (rs768566143), to our knowledge, is not reported in the medical literature, gene specific variation databases, nor has it been previously identified by our laboratory. This variant is listed in the genome Aggregation Database (gnomAD) with an overall population frequency of 0.001% (identified on 3 out of 242,508 chromosomes). The arginine at position 9 is weakly conserved, considering 12 species, and computational analyses of the effects of the p.Arg9Gly variant on protein structure and function do not predict a deleterious effect (SIFT: tolerated, PolyPhen-2: benign). Based on the available information, the clinical significance of the p.Arg9Gly variant cannot be determined with certainty.

Natera, Inc.
Classification: Uncertain significance for Mitochondrial complex I deficiency. Last evaluated: 2020-10-23. Review status: no assertion criteria provided. Collection method: clinical testing. Allele origin: germline. Not counted in ClinVar's aggregate classification.